The following is an entry in ClinVar:

ClinVar aggregate classification (germline): Pathogenic (1 of 4 stars; one submission).

Conditions:
Glycogen storage disease, type V (GSD5). Also called: MCARDLE DISEASE; MUSCLE GLYCOGEN PHOSPHORYLASE DEFICIENCY; MYOPHOSPHORYLASE DEFICIENCY; PYGM DEFICIENCY; McArdle type glycogen storage disease. Identifiers: Orphanet 368, MedGen C0017924, MONDO:0009293, OMIM 232600.

Submission:

Myriad Genetics, Inc.
Classification: Pathogenic for Glycogen storage disease, type V. Last evaluated: 2024-05-14. Review status: criteria provided, single submitter. Criteria: Myriad Autosomal Dominant, Autosomal Recessive and X-Linked Classification Criteria (2023). Collection method: clinical testing. Allele origin: unknown.
Comment: NM_005609.2(PYGM):c.877del1ins18(R293Sfs*8) is expected to be pathogenic in the context of glycogen storage disease, PYGM-related. This variant is predicted to lead to an abnormal or absent protein product due to the creation of a premature termination codon in PYGM, a gene where loss-of-function variants are known to be pathogenic. Please note: this variant was assessed in the context of healthy population screening.

NM_005609.4(PYGM):c.877delinsTCTCTTATACACATCTGT (p.Arg293fs)

Gene: PYGM (glycogen phosphorylase, muscle associated; minus strand). Cytogenetic location: 11q13.1.
Variant type: Indel.
Coding change: c.877delinsTCTCTTATACACATCTGT on transcript NM_005609.4 (MANE Select); coding-DNA position 877, C replaced by TCTCTTATACACATCTGT.
Protein change: p.Arg293fs; shifts the reading frame from arginine 293.
Molecular consequence: frameshift variant.
Genome position (GRCh38, 1-based): chr11:64,754,815, G replaced by ACAGATGTGTATAAGAGA on the plus strand (C replaced by TCTCTTATACACATCTGT on the coding strand, the reverse complement: PYGM is on the minus strand). VCF-style: chr11-64754815-G-ACAGATGTGTATAAGAGA. GRCh37 (hg19) VCF-style: chr11-64522287-G-ACAGATGTGTATAAGAGA.
Other names: c.613delinsTCTCTTATACACATCTGT, p.Arg205fs (NM_001164716.1); short protein forms R205fs, R293fs.
Identifiers: ClinVar variation 5010885 (VCV005010885.1).